The following is an entry in ClinVar:

ClinVar aggregate classification (germline): Uncertain significance (1 of 4 stars; one submission).

Conditions:
Primary ciliary dyskinesia. Also called: Ciliary dyskinesia. Identifiers: Orphanet 244, MedGen C0008780, MONDO:0016575, HP:0012265.

Submission:

Labcorp Genetics (formerly Invitae), Labcorp
Classification: Uncertain significance for Primary ciliary dyskinesia. Last evaluated: 2022-08-21. Review status: criteria provided, single submitter. Criteria: Invitae Variant Classification Sherloc (09022015). Collection method: clinical testing. Allele origin: germline.
Comment: This sequence change replaces proline, which is neutral and non-polar, with alanine, which is neutral and non-polar, at codon 4609 of the DNAH5 protein (p.Pro4609Ala). This variant is not present in population databases (gnomAD no frequency). This variant has not been reported in the literature in individuals affected with DNAH5-related conditions. Advanced modeling of protein sequence and biophysical properties (such as structural, functional, and spatial information, amino acid conservation, physicochemical variation, residue mobility, and thermodynamic stability) performed at Invitae indicates that this missense variant is not expected to disrupt DNAH5 protein function. In summary, the available evidence is currently insufficient to determine the role of this variant in disease. Therefore, it has been classified as a Variant of Uncertain Significance.

NM_001369.3(DNAH5):c.13825C>G (p.Pro4609Ala)

Gene: DNAH5 (dynein axonemal heavy chain 5; minus strand). Cytogenetic location: 5p15.2.
Variant type: single nucleotide variant.
Coding change: c.13825C>G on transcript NM_001369.3 (MANE Select); coding-DNA position 13825, C replaced by G.
Protein change: p.Pro4609Ala; replaces proline 4609 with alanine.
Molecular consequence: missense variant.
Genome position (GRCh38, 1-based): chr5:13,692,034, G>C on the plus strand (C>G on the coding strand, the complement: DNAH5 is on the minus strand). VCF-style: chr5-13692034-G-C. GRCh37 (hg19) VCF-style: chr5-13692143-G-C.
Other names: short protein forms P4609A.
Identifiers: ClinVar variation 2194516 (VCV002194516.1), dbSNP rs886059934, ClinGen allele CA359188582.